The following is an entry in ClinVar:

ClinVar aggregate classification (germline): Likely pathogenic (1 of 4 stars; one submission).

Conditions:
Cockayne syndrome type 2 (CSB). Also called: COCKAYNE SYNDROME B; Cockayne Syndrome, Type II. Identifiers: Orphanet 191, Orphanet 90322, MedGen C0751038, MONDO:0019570, OMIM 133540.

Submission:

Myriad Genetics, Inc.
Classification: Likely pathogenic for Cockayne syndrome type 2. Last evaluated: 2022-03-02. Review status: criteria provided, single submitter. Criteria: Myriad Women's Health Autosomal Recessive and X-Linked Classification Criteria (2021). Collection method: clinical testing. Allele origin: unknown.
Comment: NM_000124.2(ERCC6):c.2166delA(Q723Rfs*16) is expected to be pathogenic in the context of ERCC6-related disorders. This variant is predicted to lead to an abnormal or absent protein product due to the creation of a premature termination codon in ERCC6, a gene where loss-of-function variants are known to be pathogenic. Please note: this variant was assessed in the context of healthy population screening.

NM_000124.4(ERCC6):c.2166del (p.Gln723fs)

Gene: ERCC6 (ERCC excision repair 6, chromatin remodeling factor; minus strand). Cytogenetic location: 10q11.23.
Variant type: Deletion.
Coding change: c.2166del on transcript NM_000124.4 (MANE Select); coding-DNA position 2166, one base deleted (A; older notation c.2166delA).
Protein change: p.Gln723fs; shifts the reading frame from glutamine 723.
Molecular consequence: frameshift variant.
Genome position (GRCh38, 1-based): chr10:49,482,690, T deleted on the plus strand (A on the coding strand, the reverse complement: ERCC6 is on the minus strand). VCF-style (leftmost placement, unchanged base first): chr10-49482689-GT-G. GRCh37 (hg19) VCF-style: chr10-50690735-GT-G.
Other names: c.2166del, p.Gln723fs (NM_001346440.2); short protein forms Q723fs.
Identifiers: ClinVar variation 1724927 (VCV001724927.2), dbSNP rs2496006701, ClinGen allele CA2580081546.